The following is an entry in ClinVar:

ClinVar aggregate classification (germline): Uncertain significance (1 of 4 stars; one submission).

Conditions:
Hereditary pheochromocytoma and paraganglioma. Also called: Hereditary paragangliomas and pheochromocytomas; Hereditary Paraganglioma-Pheochromocytoma Syndromes; Hereditary pheochromocytoma-paraganglioma. Identifiers: Orphanet 29072, MedGen C4274332, MONDO:0017366.

Submission:

Labcorp Genetics (formerly Invitae), Labcorp
Classification: Uncertain significance for Hereditary pheochromocytoma and paraganglioma. Last evaluated: 2022-10-20. Review status: criteria provided, single submitter. Criteria: Invitae Variant Classification Sherloc (09022015). Collection method: clinical testing. Allele origin: germline.
Comment: This variant has not been reported in the literature in individuals affected with TMEM127-related conditions. This sequence change creates a premature translational stop signal (p.Tyr236*) in the TMEM127 gene. While this is not anticipated to result in nonsense mediated decay, it is expected to disrupt the last 3 amino acid(s) of the TMEM127 protein. This variant is not present in population databases (gnomAD no frequency). Experimental studies and prediction algorithms are not available or were not evaluated, and the functional significance of this variant is currently unknown. In summary, the available evidence is currently insufficient to determine the role of this variant in disease. Therefore, it has been classified as a Variant of Uncertain Significance.

NM_017849.4(TMEM127):c.708C>G (p.Tyr236Ter)

Gene: TMEM127 (transmembrane protein 127; minus strand). Cytogenetic location: 2q11.2.
Variant type: single nucleotide variant.
Coding change: c.708C>G on transcript NM_017849.4 (MANE Select); coding-DNA position 708, C replaced by G.
Protein change: p.Tyr236Ter; replaces tyrosine 236 with a stop codon.
Molecular consequence: nonsense.
Genome position (GRCh38, 1-based): chr2:96,253,817, G>C on the plus strand (C>G on the coding strand, the complement: TMEM127 is on the minus strand). VCF-style: chr2-96253817-G-C. GRCh37 (hg19) VCF-style: chr2-96919555-G-C.
Other names: c.708C>G, p.Tyr236Ter (NM_001193304.3); c.456C>G, p.Tyr152Ter (NM_001407282.1, NM_001407283.1); short protein forms Y152*, Y236*.
Identifiers: ClinVar variation 2036269 (VCV002036269.4), dbSNP rs2104282548, ClinGen allele CA347650904.